The following is an entry in ClinVar:

ClinVar aggregate classification (germline): Uncertain significance. Review status: criteria provided, multiple submitters, no conflicts (2 of 4 stars). 7 submissions from 7 submitters: Uncertain significance (4). 3 of the submissions do not count toward it. Last evaluated 2026-08-07.

Conditions:
Cardiovascular phenotype. Identifiers: MedGen CN230736.
ALPK3-related disorder. Also called: ALPK3-related condition.

Allele frequency attached by ClinVar (database versions not stated): TOPMed 0.00002; gnomAD 0.00003; gnomAD exomes 0.00003 and 0.00009.

Submissions (7):

PreventionGenetics, part of Exact Sciences
Classification: Uncertain significance for ALPK3-related condition. Last evaluated: 2026-08-07. Review status: criteria provided, single submitter. Criteria: ACMG Guidelines, 2015. Collection method: clinical testing. Allele origin: germline.
Comment: The ALPK3 c.5526dupT variant is predicted to result in premature protein termination (p.Lys1843*). This variant, also known as c.4920dup (p.Lys1641*) in an alternate transcript (NM_020778.5), has been reported in the heterozygous state or along with variants in other related genes in individuals with hypertrophic cardiomyopathy (Suppl. Table IV, Herkert et al. 2020. PubMed ID: 32480058; Described as c.4920dup, Ader et al. 2024. PubMed ID: 38356193). Of note, while loss of function variants in ALPK3 have been reported in association with disease, the c.5526dupT (p.Lys1843*) variant occurs in the last exon of the gene and to our knowledge, no downstream variants have been reported. Therefore, it is unclear if this variant alters protein function. This variant is reported in 0.0062% of alleles in individuals of European (Non-Finnish) descent in gnomAD. Although we suspect that this variant may be pathogenic, at this time, the clinical significance of this variant is uncertain due to the absence of conclusive functional and genetic evidence.

Labcorp Genetics (formerly Invitae), Labcorp
Classification: Uncertain significance. Last evaluated: 2025-12-31. Review status: criteria provided, single submitter. Criteria: Invitae Variant Classification Sherloc (09022015). Collection method: clinical testing. Allele origin: germline.
Comment: This sequence change creates a premature translational stop signal (p.Lys1843*) in the ALPK3 gene. While this is not anticipated to result in nonsense mediated decay, it is expected to disrupt the last 65 amino acid(s) of the ALPK3 protein. This variant is present in population databases (no rsID available, gnomAD 0.005%). This premature translational stop signal has been observed in individual(s) with hypertrophic cardiomyopathy (PMID: 32480058). ClinVar contains an entry for this variant (Variation ID: 1174827). Experimental studies and prediction algorithms are not available or were not evaluated, and the functional significance of this variant is currently unknown. In summary, the available evidence is currently insufficient to determine the role of this variant in disease. Therefore, it has been classified as a Variant of Uncertain Significance.

Ambry Genetics
Classification: Uncertain significance for Cardiovascular phenotype. Last evaluated: 2025-10-15. Review status: criteria provided, single submitter. Criteria: Ambry Variant Classification Scheme 2023. Collection method: clinical testing. Allele origin: germline.
Comment: The c.5526dupT variant, located in coding exon 14 of the ALPK3 gene, results from a duplication of T at nucleotide position 5526. This changes the amino acid at position 1843 from a lysine to a stop codon (p.K1843*). This variant co-occurred with variants in other cardiomyopathy-related genes in individuals reported to have apical hypertrophic cardiomyopathy (Herkert JC et al. Am Heart J. 2020 Jul;225:108-119). Premature stop codons are typically deleterious in nature; however, this stop codon occurs at the 3' terminus of ALPK3, is not expected to trigger nonsense-mediated mRNA decay, and impacts only the last 65 amino acids of the protein. The exact functional impact of these removed amino acids is unknown at this time. Since supporting evidence is limited at this time, the clinical significance of this alteration remains unclear.

Blueprint Genetics
Classification: Uncertain significance. Last evaluated: 2023-10-05. Review status: criteria provided, single submitter. Criteria: ACMG Guidelines, 2015. Collection method: clinical testing. Allele origin: germline.

Clinical Genetics DNA and cytogenetics Diagnostics Lab, Erasmus MC, Erasmus Medical Center
Classification: Uncertain significance. Review status: no assertion criteria provided. Collection method: clinical testing. Allele origin: germline. Affected: yes. Study: VKGL Data-share Consensus. Not counted in ClinVar's aggregate classification.

Clinical Genetics, Academic Medical Center
Classification: Uncertain significance. Review status: no assertion criteria provided. Collection method: clinical testing. Allele origin: germline. Affected: yes. Study: VKGL Data-share Consensus. Not counted in ClinVar's aggregate classification.

Diagnostic Laboratory, Department of Genetics, University Medical Center Groningen
Classification: Uncertain significance. Review status: no assertion criteria provided. Collection method: clinical testing. Allele origin: germline. Affected: yes. Study: VKGL Data-share Consensus. Not counted in ClinVar's aggregate classification.

Literature cited by the submitters: PubMed 32480058 (cited by Labcorp Genetics (formerly Invitae), Labcorp and Ambry Genetics).

NM_020778.5(ALPK3):c.4920dup (p.Lys1641Ter)

Gene: ALPK3 (alpha kinase 3; plus strand). Cytogenetic location: 15q25.3.
Variant type: Duplication.
Coding change: c.4920dup on transcript NM_020778.5 (MANE Select); coding-DNA position 4920, one base duplicated (T; older notation c.4920dupT).
Protein change: p.Lys1641Ter; replaces lysine 1641 with a stop codon.
Molecular consequence: nonsense.
Genome position (GRCh38, 1-based): chr15:84,868,258, T duplicated. VCF-style (leftmost placement, unchanged base first): chr15-84868257-C-CT. GRCh37 (hg19) VCF-style: chr15-85411488-C-CT.
Other names: short protein forms K1641*.
Identifiers: ClinVar variation 1174827 (VCV001174827.17), dbSNP rs1338612539, ClinGen allele CA619855281.